The following is an entry in ClinVar:

NM_182961.4(SYNE1):c.10299+106C>T

Gene: SYNE1 (spectrin repeat containing nuclear envelope protein 1; minus strand). Cytogenetic location: 6q25.2.
Variant type: single nucleotide variant.
Coding change: c.10299+106C>T on transcript NM_182961.4 (MANE Select); 106 bases into the intron after coding-DNA position 10299, C replaced by T.
Molecular consequence: intron variant.
Genome position (GRCh38, 1-based): chr6:152,362,064, G>A on the plus strand (C>T on the coding strand, the complement: SYNE1 is on the minus strand). VCF-style: chr6-152362064-G-A. GRCh37 (hg19) VCF-style: chr6-152683199-G-A.
Other names: c.10320+106C>T (NM_033071.5).
Identifiers: ClinVar variation 670160 (VCV000670160.1), dbSNP rs7771662, ClinGen allele CA12253572.

ClinVar aggregate classification (germline): Benign (1 of 4 stars; one submission).

Allele frequency attached by ClinVar (database versions not stated): 1000 Genomes Project 0.55212; 1000 Genomes Project 30x 0.55418; gnomAD 0.56115 and 0.56247; TOPMed 0.56507.
gnomAD v4.1: 865,933 of 1,454,994 alleles (60%); highest among the groups gnomAD compares: East Asian, 64%; 259,717 homozygotes.

Submission:

GeneDx
Classification: Benign. Last evaluated: 2018-06-14. Review status: criteria provided, single submitter. Criteria: GeneDx Variant Classification (06012015). Collection method: clinical testing. Allele origin: germline. Affected: yes.
Comment: This variant is considered likely benign or benign based on one or more of the following criteria: it is a conservative change, it occurs at a poorly conserved position in the protein, it is predicted to be benign by multiple in silico algorithms, and/or has population frequency not consistent with disease.